The following is an entry in ClinVar:

NM_003738.5(PTCH2):c.2417C>T (p.Thr806Ile)

Gene: PTCH2 (patched 2; minus strand). Cytogenetic location: 1p34.1.
Variant type: single nucleotide variant.
Coding change: c.2417C>T on transcript NM_003738.5 (MANE Select); coding-DNA position 2417, C replaced by T.
Protein change: p.Thr806Ile; replaces threonine 806 with isoleucine.
Molecular consequence: missense variant.
Genome position (GRCh38, 1-based): chr1:44,827,264, G>A on the plus strand (C>T on the coding strand, the complement: PTCH2 is on the minus strand). VCF-style: chr1-44827264-G-A. GRCh37 (hg19) VCF-style: chr1-45292936-G-A.
Other names: c.2417C>T, p.Thr806Ile (NM_001166292.2); short protein forms T806I.
Identifiers: ClinVar variation 3669553 (VCV003669553.2).

ClinVar aggregate classification (germline): Uncertain significance (1 of 4 stars; one submission).

Conditions:
Gorlin syndrome. Also called: Basal cell nevus syndrome; Nevoid Basal Cell Carcinoma Syndrome. Identifiers: Orphanet 377, MedGen C0004779, MONDO:0007187.

Submission:

Labcorp Genetics (formerly Invitae), Labcorp
Classification: Uncertain significance for Gorlin syndrome. Last evaluated: 2024-08-23. Review status: criteria provided, single submitter. Criteria: Invitae Variant Classification Sherloc (09022015). Collection method: clinical testing. Allele origin: germline.
Comment: This sequence change replaces threonine, which is neutral and polar, with isoleucine, which is neutral and non-polar, at codon 806 of the PTCH2 protein (p.Thr806Ile). This variant is present in population databases (rs139683072, gnomAD 0.02%). This variant has not been reported in the literature in individuals affected with PTCH2-related conditions. Invitae Evidence Modeling of protein sequence and biophysical properties (such as structural, functional, and spatial information, amino acid conservation, physicochemical variation, residue mobility, and thermodynamic stability) indicates that this missense variant is not expected to disrupt PTCH2 protein function with a negative predictive value of 80%. In summary, the available evidence is currently insufficient to determine the role of this variant in disease. Therefore, it has been classified as a Variant of Uncertain Significance.